The following is an entry in ClinVar:

NM_000051.4(ATM):c.5524C>A (p.Leu1842Ile)

Gene: ATM (ATM serine/threonine kinase; plus strand). Cytogenetic location: 11q22.3.
Variant type: single nucleotide variant.
Coding change: c.5524C>A on transcript NM_000051.4 (MANE Select); coding-DNA position 5524, C replaced by A.
Protein change: p.Leu1842Ile; replaces leucine 1842 with isoleucine.
Molecular consequence: missense variant.
Genome position (GRCh38, 1-based): chr11:108,304,702, C>A. VCF-style: chr11-108304702-C-A. GRCh37 (hg19) VCF-style: chr11-108175429-C-A.
Other names: c.5524C>A, p.Leu1842Ile (NM_001351834.2); short protein forms L1842I.
Identifiers: ClinVar variation 655515 (VCV000655515.13), dbSNP rs956546711, ClinGen allele CA382545818.
Genomic context (GRCh38, chr11:108,304,702, plus strand): 5'-AAACTATTGGGTGGATTTGTTTGTATATTCTAGGTGAAAACTGACTTTTGTCAGACTGTA[C>A]TTCCATACTTGATTCATGATATTTTACTCCAAGATACAAATGAATCATGGAGAAATCTGC-3'
Protein context (NP_000042.3, residues 1832-1852): EVKTDFCQTV[Leu1842Ile]PYLIHDILLQ

ClinVar aggregate classification (germline): Uncertain significance. Review status: criteria provided, multiple submitters, no conflicts (2 of 4 stars). 2 submissions from 2 submitters: Uncertain significance (2). Last evaluated 2023-03-18.

Conditions:
Hereditary cancer-predisposing syndrome. Also called: Neoplastic Syndromes, Hereditary; Hereditary neoplastic syndrome; Hereditary Cancer Syndrome; Tumor predisposition. Identifiers: Orphanet 140162, MedGen C0027672, MeSH D009386, MONDO:0015356.
Ataxia-telangiectasia syndrome (AT). Also called: ATAXIA-TELANGIECTASIA, FRESNO VARIANT; Ataxia-telangiectasia, complementation group D; Cerebello-oculocutaneous telangiectasia; Immunodeficiency with ataxia telangiectasia; Ataxia-telangiectasia; Ataxia telangiectasia (A-T). Identifiers: Orphanet 100, MedGen C0004135, MONDO:0008840, OMIM 208900.

Allele frequency attached by ClinVar (database versions not stated): TOPMed below 0.00001; gnomAD 0.00001.
gnomAD v4.1: 1 of 1,613,784 alleles (0.000062%); highest among the groups gnomAD compares: African/African-American, 0.0013%; no homozygotes.

Submissions (2):

Labcorp Genetics (formerly Invitae), Labcorp
Classification: Uncertain significance for Ataxia-telangiectasia syndrome. Last evaluated: 2023-03-18. Review status: criteria provided, single submitter. Criteria: Invitae Variant Classification Sherloc (09022015). Collection method: clinical testing. Allele origin: germline.
Comment: In summary, the available evidence is currently insufficient to determine the role of this variant in disease. Therefore, it has been classified as a Variant of Uncertain Significance. This variant is not present in population databases (gnomAD no frequency). This variant has not been reported in the literature in individuals affected with ATM-related conditions. ClinVar contains an entry for this variant (Variation ID: 655515). This sequence change replaces leucine, which is neutral and non-polar, with isoleucine, which is neutral and non-polar, at codon 1842 of the ATM protein (p.Leu1842Ile). An algorithm developed to predict the effect of missense changes on protein structure and function (PolyPhen-2) suggests that this variant is likely to be disruptive.

Ambry Genetics
Classification: Uncertain significance for Hereditary cancer-predisposing syndrome. Last evaluated: 2021-07-14. Review status: criteria provided, single submitter. Criteria: Ambry Variant Classification Scheme 2023. Collection method: clinical testing. Allele origin: germline.
Comment: The p.L1842I variant (also known as c.5524C>A), located in coding exon 36 of the ATM gene, results from a C to A substitution at nucleotide position 5524. The leucine at codon 1842 is replaced by isoleucine, an amino acid with highly similar properties. This amino acid position is conserved. In addition, the in silico prediction for this alteration is inconclusive. Since supporting evidence is limited at this time, the clinical significance of this alteration remains unclear.